The following is an entry in ClinVar:

ClinVar aggregate classification (germline): Conflicting classifications of pathogenicity. Review status: criteria provided, conflicting classifications (1 of 4 stars). 2 submissions from 2 submitters: Uncertain significance (1); Likely benign (1). Last evaluated 2023-03-23.

Conditions:
Hereditary cancer-predisposing syndrome. Also called: Neoplastic Syndromes, Hereditary; Tumor predisposition; Hereditary Cancer Syndrome; Hereditary neoplastic syndrome. Identifiers: Orphanet 140162, MedGen C0027672, MeSH D009386, MONDO:0015356.

Submissions (2):

University of Washington Department of Laboratory Medicine, University of Washington
Classification: Likely benign for Hereditary cancer-predisposing syndrome. Last evaluated: 2023-03-23. Review status: criteria provided, single submitter. Criteria: Dines et al. (Genet Med. 2020). Collection method: curation. Allele origin: germline.
Comment: Missense variant in a coldspot region where missense variants are very unlikely to be pathogenic (PMID:31911673).

BRCA2 exon 11 coldspot. Reclassification based on statistical prior probability.

Ambry Genetics
Classification: Uncertain significance for Hereditary cancer-predisposing syndrome. Last evaluated: 2019-08-10. Review status: criteria provided, single submitter. Criteria: Ambry Variant Classification Scheme 2023. Collection method: clinical testing. Allele origin: germline.
Comment: The p.K1286N variant (also known as c.3858A>C), located in coding exon 10 of the BRCA2 gene, results from an A to C substitution at nucleotide position 3858. The lysine at codon 1286 is replaced by asparagine, an amino acid with similar properties. This amino acid position is not well conserved in available vertebrate species. In addition, this alteration is predicted to be tolerated by in silico analysis. Since supporting evidence is limited at this time, the clinical significance of this alteration remains unclear.

NM_000059.4(BRCA2):c.3858A>C (p.Lys1286Asn)

Gene: BRCA2 (BRCA2 DNA repair associated; plus strand). Cytogenetic location: 13q13.1.
Variant type: single nucleotide variant.
Coding change: c.3858A>C on transcript NM_000059.4 (MANE Select); coding-DNA position 3858, A replaced by C.
Protein change: p.Lys1286Asn; replaces lysine 1286 with asparagine.
Molecular consequence: missense variant.
Genome position (GRCh38, 1-based): chr13:32,338,213, A>C. VCF-style: chr13-32338213-A-C. GRCh37 (hg19) VCF-style: chr13-32912350-A-C.
Other names: c.3858A>C, p.Lys1286Asn (NM_001406719.1, NM_001406720.1); short protein forms K1286N.
Identifiers: ClinVar variation 1735568 (VCV001735568.4), dbSNP rs1555283430, ClinGen allele CA387778647.